The following is an entry in ClinVar:

NM_000455.5(STK11):c.121A>C (p.Lys41Gln)

Gene: STK11 (serine/threonine kinase 11; plus strand). Cytogenetic location: 19p13.3.
Variant type: single nucleotide variant.
Coding change: c.121A>C on transcript NM_000455.5 (MANE Select); coding-DNA position 121, A replaced by C.
Protein change: p.Lys41Gln; replaces lysine 41 with glutamine.
Molecular consequence: missense variant.
Genome position (GRCh38, 1-based): chr19:1,207,034, A>C. VCF-style: chr19-1207034-A-C. GRCh37 (hg19) VCF-style: chr19-1207033-A-C.
Other names: short protein forms K41Q.
Identifiers: ClinVar variation 568966 (VCV000568966.13), dbSNP rs1568690070, ClinGen allele CA402943949.

ClinVar aggregate classification (germline): Uncertain significance. Review status: criteria provided, multiple submitters, no conflicts (2 of 4 stars). 3 submissions from 3 submitters: Uncertain significance (3). Last evaluated 2022-11-15.

Conditions:
Hereditary cancer-predisposing syndrome. Also called: Hereditary neoplastic syndrome; Neoplastic Syndromes, Hereditary; Hereditary Cancer Syndrome; Tumor predisposition. Identifiers: Orphanet 140162, MedGen C0027672, MeSH D009386, MONDO:0015356.
Peutz-Jeghers syndrome (PJS). Also called: Peutz-Jeghers polyposis; Periorificial lentiginosis syndrome; POLYPOSIS, HAMARTOMATOUS INTESTINAL; POLYPS-AND-SPOTS SYNDROME. Identifiers: Orphanet 2869, MedGen C0031269, MeSH D010580, MONDO:0008280, OMIM 175200.

Submissions (3):

Labcorp Genetics (formerly Invitae), Labcorp
Classification: Uncertain significance for Peutz-Jeghers syndrome. Last evaluated: 2022-11-15. Review status: criteria provided, single submitter. Criteria: Invitae Variant Classification Sherloc (09022015). Collection method: clinical testing. Allele origin: germline.
Comment: ClinVar contains an entry for this variant (Variation ID: 568966). Advanced modeling of protein sequence and biophysical properties (such as structural, functional, and spatial information, amino acid conservation, physicochemical variation, residue mobility, and thermodynamic stability) performed at Invitae indicates that this missense variant is expected to disrupt STK11 protein function. In summary, the available evidence is currently insufficient to determine the role of this variant in disease. Therefore, it has been classified as a Variant of Uncertain Significance. This sequence change replaces lysine, which is basic and polar, with glutamine, which is neutral and polar, at codon 41 of the STK11 protein (p.Lys41Gln). This variant is not present in population databases (gnomAD no frequency). This variant has not been reported in the literature in individuals affected with STK11-related conditions.

Genome-Nilou Lab
Classification: Uncertain significance for Peutz-Jeghers syndrome. Last evaluated: 2021-07-15. Review status: criteria provided, single submitter. Criteria: ACMG Guidelines, 2015. Collection method: clinical testing. Allele origin: germline. Affected: no.

Ambry Genetics
Classification: Uncertain significance for Hereditary cancer-predisposing syndrome. Last evaluated: 2019-11-25. Review status: criteria provided, single submitter. Criteria: Ambry Variant Classification Scheme 2023. Collection method: clinical testing. Allele origin: germline.
Comment: The p.K41Q variant (also known as c.121A>C), located in coding exon 1 of the STK11 gene, results from an A to C substitution at nucleotide position 121. The lysine at codon 41 is replaced by glutamine, an amino acid with similar properties. This amino acid position is highly conserved in available vertebrate species. In addition, the in silico prediction for this alteration is inconclusive. Since supporting evidence is limited at this time, the clinical significance of this alteration remains unclear.